The following is an entry in ClinVar:

ClinVar aggregate classification (germline): Uncertain significance (1 of 4 stars; one submission).

Allele frequency attached by ClinVar (database versions not stated): gnomAD 0.00001.
gnomAD v4.1: 20 of 1,554,988 alleles (0.0013%); highest among the groups gnomAD compares: South Asian, 0.0047%; no homozygotes.

Submission:

GeneDx
Classification: Uncertain significance. Last evaluated: 2023-03-21. Review status: criteria provided, single submitter. Criteria: GeneDx Variant Classification Process June 2021. Collection method: clinical testing. Allele origin: germline. Affected: yes.
Comment: In silico analysis supports that this missense variant does not alter protein structure/function; Has not been previously published as pathogenic or benign to our knowledge

NM_017636.4(TRPM4):c.2267C>T (p.Pro756Leu)

Gene: TRPM4 (transient receptor potential cation channel subfamily M member 4; plus strand). Cytogenetic location: 19q13.33.
Variant type: single nucleotide variant.
Coding change: c.2267C>T on transcript NM_017636.4 (MANE Select); coding-DNA position 2267, C replaced by T.
Protein change: p.Pro756Leu; replaces proline 756 with leucine.
Molecular consequence: missense variant. On other transcripts: intron variant (1).
Genome position (GRCh38, 1-based): chr19:49,196,496, C>T. VCF-style: chr19-49196496-C-T. GRCh37 (hg19) VCF-style: chr19-49699753-C-T.
Other names: c.1922C>T, p.Pro641Leu (NM_001321281.2); c.659C>T, p.Pro220Leu (NM_001321282.2); c.1745C>T, p.Pro582Leu (NM_001321283.2); c.1205C>T, p.Pro402Leu (NM_001321285.2); c.2211-3804C>T (NM_001195227.2); short protein forms P220L, P402L, P582L, P641L, P756L.
Identifiers: ClinVar variation 2580587 (VCV002580587.1), dbSNP rs1177884755, ClinGen allele CA406808628.
Genomic context (GRCh38, chr19:49,196,496, plus strand): 5'-ACAGGACGGCGGACCCAGCCGAGAAGACGCCGCTGGGGGTCCCGCGCCAGTCGGGCCGTC[C>T]GGGTTGCTGCGGGGGCCGCTGCGGGGGGCGCCGGTGCCTACGCCGCTGGTTCCACTTCTG-3'
Protein context (NP_060106.2, residues 746-766): PLGVPRQSGR[Pro756Leu]GCCGGRCGGR